The following is an entry in ClinVar:

ClinVar aggregate classification (germline): Uncertain significance (1 of 4 stars; one submission).

Allele frequency attached by ClinVar (database versions not stated): TOPMed below 0.00001.

Submission:

Labcorp Genetics (formerly Invitae), Labcorp
Classification: Uncertain significance. Last evaluated: 2022-08-09. Review status: criteria provided, single submitter. Criteria: Invitae Variant Classification Sherloc (09022015). Collection method: clinical testing. Allele origin: germline.
Comment: In summary, the available evidence is currently insufficient to determine the role of this variant in disease. Therefore, it has been classified as a Variant of Uncertain Significance. Algorithms developed to predict the effect of missense changes on protein structure and function are either unavailable or do not agree on the potential impact of this missense change (SIFT: "Tolerated"; PolyPhen-2: "Possibly Damaging"; Align-GVGD: "Class C0"). This variant has not been reported in the literature in individuals affected with PTDSS1-related conditions. This variant is not present in population databases (gnomAD no frequency). This sequence change replaces methionine, which is neutral and non-polar, with isoleucine, which is neutral and non-polar, at codon 178 of the PTDSS1 protein (p.Met178Ile).

NM_014754.3(PTDSS1):c.534G>A (p.Met178Ile)

Gene: PTDSS1 (phosphatidylserine synthase 1; plus strand). Cytogenetic location: 8q22.1.
Variant type: single nucleotide variant.
Coding change: c.534G>A on transcript NM_014754.3 (MANE Select); coding-DNA position 534, G replaced by A.
Protein change: p.Met178Ile; replaces methionine 178 with isoleucine.
Molecular consequence: missense variant.
Genome position (GRCh38, 1-based): chr8:96,295,190, G>A. VCF-style: chr8-96295190-G-A. GRCh37 (hg19) VCF-style: chr8-97307418-G-A.
Other names: c.96G>A, p.Met32Ile (NM_001290225.2); short protein forms M32I, M178I.
Identifiers: ClinVar variation 1962608 (VCV001962608.5), dbSNP rs1810957701, ClinGen allele CA371754962.